The following is an entry in ClinVar:

ClinVar aggregate classification (germline): Uncertain significance (1 of 4 stars; one submission).

Conditions:
Dilated cardiomyopathy 1O (CMD1O). Also called: CARDIOMYOPATHY, DILATED, WITH VENTRICULAR TACHYCARDIA. Identifiers: Orphanet 154, MedGen C1837839, MONDO:0012062, OMIM 608569.

Submission:

Labcorp Genetics (formerly Invitae), Labcorp
Classification: Uncertain significance for Dilated cardiomyopathy 1O. Last evaluated: 2017-10-22. Review status: criteria provided, single submitter. Criteria: Invitae Variant Classification Sherloc (09022015). Collection method: clinical testing. Allele origin: germline.
Comment: In summary, the available evidence is currently insufficient to determine the role of this variant in disease. Therefore, it has been classified as a Variant of Uncertain Significance. This sequence change falls in intron 16 of the ABCC9 gene. It does not directly change the encoded amino acid sequence of the ABCC9 protein, but it affects a nucleotide within the consensus splice site of the intron. This variant is not present in population databases (ExAC no frequency). This variant has not been reported in the literature in individuals with ABCC9-related disease. Nucleotide substitutions within the consensus splice site are a relatively common cause of aberrant splicing (PMID: 17576681, 9536098). Algorithms developed to predict the effect of sequence changes on RNA splicing suggest that this variant may disrupt the consensus splice site, but this prediction has not been confirmed by published transcriptional studies.

Literature cited by the submitters: PubMed 17576681; PubMed 9536098.

NM_020297.4(ABCC9):c.2198+3A>G

Gene: ABCC9 (ATP binding cassette subfamily C member 9; minus strand). Cytogenetic location: 12p12.1.
Variant type: single nucleotide variant.
Coding change: c.2198+3A>G on transcript NM_020297.4 (MANE Select); 3 bases into the intron after coding-DNA position 2198, A replaced by G.
Molecular consequence: intron variant.
Genome position (GRCh38, 1-based): chr12:21,872,622, T>C on the plus strand (A>G on the coding strand, the complement: ABCC9 is on the minus strand). VCF-style: chr12-21872622-T-C. GRCh37 (hg19) VCF-style: chr12-22025556-T-C.
Other names: c.1334+3A>G (NM_001377274.1); c.2198+3A>G (NM_005691.4, NM_001377273.1).
Identifiers: ClinVar variation 533285 (VCV000533285.6), dbSNP rs1555194960, ClinGen allele CA658797856.